The following is an entry in ClinVar:

NM_001369268.1(ACAN):c.2165C>T (p.Pro722Leu)

Gene: ACAN (aggrecan; plus strand). Cytogenetic location: 15q26.1.
Variant type: single nucleotide variant.
Coding change: c.2165C>T on transcript NM_001369268.1 (MANE Select); coding-DNA position 2165, C replaced by T.
Protein change: p.Pro722Leu; replaces proline 722 with leucine.
Molecular consequence: missense variant.
Genome position (GRCh38, 1-based): chr15:88,851,932, C>T. VCF-style: chr15-88851932-C-T. GRCh37 (hg19) VCF-style: chr15-89395163-C-T.
Other names: c.2165C>T, p.Pro722Leu (NM_001135.4, NM_001411096.1, NM_001411097.1 and 1 more transcripts); short protein forms P722L.
Identifiers: ClinVar variation 2818934 (VCV002818934.4), dbSNP rs768777515, ClinGen allele CA393714089.
Genomic context (GRCh38, chr15:88,851,932, plus strand): 5'-TGACCCAAGTGGTTCCTGGTGTGGCTGCTGTCCCCGTAGAAGAGGAGACAACTGCTGTAC[C>T]CTCAGGGGAGACTACTGCCATCCTAGAGTTCACCACCGAGCCAGAAAACCAGACAGAATG-3'
Protein context (NP_001356197.1, residues 712-732): VPVEEETTAV[Pro722Leu]SGETTAILEF

ClinVar aggregate classification (germline): Uncertain significance. Review status: criteria provided, multiple submitters, no conflicts (2 of 4 stars). 2 submissions from 2 submitters: Uncertain significance (2). Last evaluated 2023-06-23.

Allele frequency attached by ClinVar (database versions not stated): TOPMed below 0.00001.

Submissions (2):

Labcorp Genetics (formerly Invitae), Labcorp
Classification: Uncertain significance. Last evaluated: 2023-06-23. Review status: criteria provided, single submitter. Criteria: Invitae Variant Classification Sherloc (09022015). Collection method: clinical testing. Allele origin: germline.
Comment: Advanced modeling of protein sequence and biophysical properties (such as structural, functional, and spatial information, amino acid conservation, physicochemical variation, residue mobility, and thermodynamic stability) performed at Invitae indicates that this missense variant is not expected to disrupt ACAN protein function. In summary, the available evidence is currently insufficient to determine the role of this variant in disease. Therefore, it has been classified as a Variant of Uncertain Significance. This variant has not been reported in the literature in individuals affected with ACAN-related conditions. This sequence change replaces proline, which is neutral and non-polar, with leucine, which is neutral and non-polar, at codon 722 of the ACAN protein (p.Pro722Leu). This variant is not present in population databases (gnomAD no frequency).

Blueprint Genetics
Classification: Uncertain significance. Last evaluated: 2018-09-10. Review status: criteria provided, single submitter. Criteria: ACMG Guidelines, 2015. Collection method: clinical testing. Allele origin: germline.